The following is an entry in ClinVar:

NM_017780.4(CHD7):c.1030G>A (p.Val344Ile)

Gene: CHD7 (chromodomain helicase DNA binding protein 7; plus strand). Cytogenetic location: 8q12.2.
Variant type: single nucleotide variant.
Coding change: c.1030G>A on transcript NM_017780.4 (MANE Select); coding-DNA position 1030, G replaced by A.
Protein change: p.Val344Ile; replaces valine 344 with isoleucine.
Molecular consequence: missense variant.
Genome position (GRCh38, 1-based): chr8:60,742,462, G>A. VCF-style: chr8-60742462-G-A. GRCh37 (hg19) VCF-style: chr8-61655021-G-A.
Other names: c.1030G>A, p.Val344Ile (NM_001316690.1); short protein forms V344I.
Identifiers: ClinVar variation 363445 (VCV000363445.44), dbSNP rs199919181, ClinGen allele CA4759417.

ClinVar aggregate classification (germline): Conflicting classifications of pathogenicity. Review status: criteria provided, conflicting classifications (1 of 4 stars). 7 submissions from 7 submitters: Uncertain significance (2); Likely benign (5). Last evaluated 2026-04-10.

Conditions:
CHARGE syndrome (CHARGE). Also called: CHARGE ASSOCIATION--COLOBOMA, HEART ANOMALY, CHOANAL ATRESIA, RETARDATION, GENITAL AND EAR ANOMALIES; Coloboma, heart anomaly, choanal atresia, retardation, genital and ear anomalies; CHARGE association; Hall-Hittner syndrome; Hittner Hirsch Kreh syndrome. Identifiers: Orphanet 138, MedGen C0265354, MONDO:0008965.
Hypogonadotropic hypogonadism 5 with or without anosmia (KAL5). Also called: HYPOGONADOTROPIC HYPOGONADISM 5 WITH ANOSMIA; HYPOGONADOTROPHIC HYPOGONADISM 5 WITHOUT ANOSMIA; CHD7-Related GnRH Deficiency (Kallmann Syndrome 5). Identifiers: Orphanet 478, MedGen C3552553, MONDO:0012880, OMIM 612370. Disease mechanism: loss of function.
Inborn genetic diseases. Identifiers: MedGen C0950123, MeSH D030342.
CHD7-related disorder. Also called: CHD7-related condition.

Allele frequency attached by ClinVar (database versions not stated): gnomAD 0.00003 and 0.00004; TOPMed 0.00003; gnomAD exomes 0.00004; ExAC 0.00005; ESP Exome Variant Server 0.00008.

Submissions (7):

PreventionGenetics, part of Exact Sciences
Classification: Uncertain significance for CHD7-related condition. Last evaluated: 2026-04-10. Review status: criteria provided, single submitter. Criteria: ACMG Guidelines, 2015. Collection method: clinical testing. Allele origin: germline.
Comment: The CHD7 c.1030G>A variant is predicted to result in the amino acid substitution p.Val344Ile. To our knowledge, this variant has not been reported in the literature. This variant is reported in 0.017% of alleles in individuals of East Asian descent in gnomAD. Although we suspect that this variant may be benign, at this time, the clinical significance of this variant is uncertain due to the absence of conclusive functional and genetic evidence.

Labcorp Genetics (formerly Invitae), Labcorp
Classification: Likely benign for CHARGE syndrome. Last evaluated: 2025-09-09. Review status: criteria provided, single submitter. Criteria: Invitae Variant Classification Sherloc (09022015). Collection method: clinical testing. Allele origin: germline.

Ambry Genetics
Classification: Likely benign for Inborn genetic diseases. Last evaluated: 2024-11-11. Review status: criteria provided, single submitter. Criteria: Ambry Variant Classification Scheme 2023. Collection method: clinical testing. Allele origin: germline.

CeGaT Center for Human Genetics Tuebingen
Classification: Uncertain significance. Last evaluated: 2022-12-01. Review status: criteria provided, single submitter. Criteria: CeGaT Center For Human Genetics Tuebingen Variant Classification Criteria Version 2. Collection method: clinical testing. Allele origin: germline. Affected: yes. Observed: 1 variant allele.

GeneDx
Classification: Likely benign. Last evaluated: 2020-12-22. Review status: criteria provided, single submitter. Criteria: GeneDx Variant Classification Process June 2021. Collection method: clinical testing. Allele origin: germline. Affected: yes.

Blueprint Genetics
Classification: Likely benign. Last evaluated: 2020-01-28. Review status: criteria provided, single submitter. Criteria: ACMG Guidelines, 2015. Collection method: clinical testing. Allele origin: germline.

Illumina Laboratory Services, Illumina
Classification: Likely benign for Kallmann Syndrome 5. Last evaluated: 2018-01-13. Review status: criteria provided, single submitter. Criteria: ICSL Variant Classification Criteria 13 December 2019. Collection method: clinical testing. Allele origin: germline.
Comment: This variant was observed in the ICSL laboratory as part of a predisposition screen in an ostensibly healthy population. It had not been previously curated by ICSL or reported in the Human Gene Mutation Database (HGMD: prior to June 1st, 2018), and was therefore a candidate for classification through an automated scoring system. Utilizing variant allele frequency, disease prevalence and penetrance estimates, and inheritance mode, an automated score was calculated to assess if this variant is too frequent to cause the disease. Based on the score and internal cut-off values, a variant classified as likely benign is not then subjected to further curation. The score for this variant resulted in a classification of likely benign for this disease.